The following is an entry in ClinVar:

NM_004006.3(DMD):c.3922-1G>A

Gene: DMD (dystrophin; minus strand). Cytogenetic location: Xp21.1.
Variant type: single nucleotide variant.
Coding change: c.3922-1G>A on transcript NM_004006.3 (MANE Select); the canonical splice acceptor site of the intron before coding-DNA position 3922, G replaced by A.
Molecular consequence: splice acceptor variant.
Genome position (GRCh38, 1-based): chrX:32,438,391, C>T on the plus strand (G>A on the coding strand, the complement: DMD is on the minus strand). VCF-style: chrX-32438391-C-T. GRCh37 (hg19) VCF-style: chrX-32456508-C-T.
Other names: c.3898-1G>A (NM_000109.4); c.3910-1G>A (NM_004009.3); c.3553-1G>A (NM_004010.3).
Identifiers: ClinVar variation 2093840 (VCV002093840.4), dbSNP rs2524075262, ClinGen allele CA412669564.
Genomic context (GRCh38, chrX:32,438,391, plus strand): 5'-TGCCAATATGCGAATCTGATTTGGGTTATCCTCTGAATGTCGCATCAAATTTTCAAGTGA[C>T]TGAAACACATTTGCAATAATTACTATTTCTCCTTTTTTTTCTAAATACATTGGATTATCA-3'

ClinVar aggregate classification (germline): Likely pathogenic (1 of 4 stars; one submission).

Conditions:
Duchenne muscular dystrophy (DMD). Also called: MUSCULAR DYSTROPHY, PSEUDOHYPERTROPHIC PROGRESSIVE, DUCHENNE TYPE; Duchenne Muscular Dystrophy (DMD). Identifiers: Orphanet 98896, MedGen C0013264, MONDO:0010679, OMIM 310200.

Submission:

Labcorp Genetics (formerly Invitae), Labcorp
Classification: Likely pathogenic for Duchenne muscular dystrophy. Last evaluated: 2022-08-15. Review status: criteria provided, single submitter. Criteria: Invitae Variant Classification Sherloc (09022015). Collection method: clinical testing. Allele origin: germline.
Comment: This sequence change affects an acceptor splice site in intron 28 of the DMD gene. It is expected to disrupt RNA splicing. Variants that disrupt the donor or acceptor splice site typically lead to a loss of protein function (PMID: 16199547), and loss-of-function variants in DMD are known to be pathogenic (PMID: 16770791, 25007885). This variant is not present in population databases (gnomAD no frequency). This variant has not been reported in the literature in individuals affected with DMD-related conditions. Algorithms developed to predict the effect of sequence changes on RNA splicing suggest that this variant may disrupt the consensus splice site. In summary, the currently available evidence indicates that the variant is pathogenic, but additional data are needed to prove that conclusively. Therefore, this variant has been classified as Likely Pathogenic.

Literature cited by the submitters: PubMed 16199547; PubMed 16770791; PubMed 25007885.